The following is an entry in ClinVar:

NM_000038.6(APC):c.3809G>T (p.Cys1270Phe)

Gene: APC (APC regulator of Wnt signaling pathway; plus strand). Cytogenetic location: 5q22.2.
Variant type: single nucleotide variant.
Coding change: c.3809G>T on transcript NM_000038.6 (MANE Select); coding-DNA position 3809, G replaced by T.
Protein change: p.Cys1270Phe; replaces cysteine 1270 with phenylalanine.
Molecular consequence: missense variant.
Genome position (GRCh38, 1-based): chr5:112,839,403, G>T. VCF-style: chr5-112839403-G-T. GRCh37 (hg19) VCF-style: chr5-112175100-G-T.
Other names: c.3809G>T, p.Cys1270Phe (NM_001127510.3, NM_001354895.2); c.3755G>T, p.Cys1252Phe (NM_001127511.3); c.3863G>T, p.Cys1288Phe (NM_001354896.2); c.3839G>T, p.Cys1280Phe (NM_001354897.2); c.3734G>T, p.Cys1245Phe (NM_001354898.2); c.3725G>T, p.Cys1242Phe (NM_001354899.2); c.3686G>T, p.Cys1229Phe (NM_001354900.2); c.3632G>T, p.Cys1211Phe (NM_001354901.2); and 5 more; short protein forms C1270F, C1252F, C1169F, C1211F, C1229F, C1245F, C1288F, C987F.
Identifiers: ClinVar variation 485122 (VCV000485122.11), dbSNP rs750280766, ClinGen allele CA16029689.

ClinVar aggregate classification (germline): Uncertain significance. Review status: criteria provided, multiple submitters, no conflicts (2 of 4 stars). 3 submissions from 3 submitters: Uncertain significance (3). Last evaluated 2024-03-20.

Conditions:
Familial adenomatous polyposis 1 (FAP1). Also called: FAMILIAL ADENOMATOUS POLYPOSIS 1, ATTENUATED; POLYPOSIS, ADENOMATOUS INTESTINAL. Identifiers: MedGen C2713442, MONDO:0021056, OMIM 175100. Disease mechanism: loss of function.
Hereditary cancer-predisposing syndrome. Also called: Neoplastic Syndromes, Hereditary; Tumor predisposition; Hereditary Cancer Syndrome; Hereditary neoplastic syndrome. Identifiers: Orphanet 140162, MedGen C0027672, MeSH D009386, MONDO:0015356.

Allele frequency attached by ClinVar (database versions not stated): TOPMed below 0.00001.

Submissions (3):

Baylor Genetics
Classification: Uncertain significance for Familial adenomatous polyposis 1. Last evaluated: 2024-03-20. Review status: criteria provided, single submitter. Criteria: ACMG Guidelines, 2015. Collection method: clinical testing. Allele origin: unknown.

Labcorp Genetics (formerly Invitae), Labcorp
Classification: Uncertain significance for Familial adenomatous polyposis 1. Last evaluated: 2023-07-26. Review status: criteria provided, single submitter. Criteria: Invitae Variant Classification Sherloc (09022015). Collection method: clinical testing. Allele origin: germline.
Comment: In summary, the available evidence is currently insufficient to determine the role of this variant in disease. Therefore, it has been classified as a Variant of Uncertain Significance. Advanced modeling of protein sequence and biophysical properties (such as structural, functional, and spatial information, amino acid conservation, physicochemical variation, residue mobility, and thermodynamic stability) performed at Invitae indicates that this missense variant is not expected to disrupt APC protein function. ClinVar contains an entry for this variant (Variation ID: 485122). This variant has not been reported in the literature in individuals affected with APC-related conditions. This variant is not present in population databases (gnomAD no frequency). This sequence change replaces cysteine, which is neutral and slightly polar, with phenylalanine, which is neutral and non-polar, at codon 1270 of the APC protein (p.Cys1270Phe).

Ambry Genetics
Classification: Uncertain significance for Hereditary cancer-predisposing syndrome. Last evaluated: 2017-01-05. Review status: criteria provided, single submitter. Criteria: Ambry Variant Classification Scheme 2023. Collection method: clinical testing. Allele origin: germline.
Comment: The p.C1270F variant (also known as c.3809G>T), located in coding exon 15 of the APC gene, results from a G to T substitution at nucleotide position 3809. The cysteine at codon 1270 is replaced by phenylalanine, an amino acid with highly dissimilar properties. This amino acid position is highly conserved in available vertebrate species. In addition, in silico predictors for this gene do not accurately predict pathogenicity. Since supporting evidence is limited at this time, the clinical significance of this alteration remains unclear.